The following is an entry in ClinVar:

NM_014956.5(CEP164):c.1502A>G (p.Gln501Arg)

Gene: CEP164 (centrosomal protein 164; plus strand). Cytogenetic location: 11q23.3.
Variant type: single nucleotide variant.
Coding change: c.1502A>G on transcript NM_014956.5 (MANE Select); coding-DNA position 1502, A replaced by G.
Protein change: p.Gln501Arg; replaces glutamine 501 with arginine.
Molecular consequence: missense variant.
Genome position (GRCh38, 1-based): chr11:117,381,793, A>G. VCF-style: chr11-117381793-A-G. GRCh37 (hg19) VCF-style: chr11-117252509-A-G.
Other names: c.1511A>G, p.Gln504Arg (NM_001271933.2); short protein forms Q504R, Q501R.
Identifiers: ClinVar variation 966152 (VCV000966152.13), dbSNP rs375085754, ClinGen allele CA6294780.

ClinVar aggregate classification (germline): Uncertain significance. Review status: criteria provided, multiple submitters, no conflicts (2 of 4 stars). 6 submissions from 6 submitters: Uncertain significance (6). Last evaluated 2025-04-29.

Conditions:
CEP164-related disorder. Also called: CEP164-related condition.
Nephronophthisis 15 (NPHP15). Identifiers: Orphanet 3156, MedGen C3541853, MONDO:0013917, OMIM 614845.

Allele frequency attached by ClinVar (database versions not stated): gnomAD exomes 0.00002 and 0.00003; ExAC 0.00003; ESP Exome Variant Server 0.00008; TOPMed 0.00014; gnomAD 0.00023; 1000 Genomes Project 30x 0.00031; 1000 Genomes Project 0.00040.
gnomAD v4.1: 55 of 1,577,222 alleles (0.0035%); highest among the groups gnomAD compares: African/African-American, 0.07%; no homozygotes.

Submissions (6):

PreventionGenetics, part of Exact Sciences
Classification: Uncertain significance for CEP164-related condition. Last evaluated: 2025-04-29. Review status: criteria provided, single submitter. Criteria: ACMG Guidelines, 2015. Collection method: clinical testing. Allele origin: germline.
Comment: The CEP164 c.1502A>G variant is predicted to result in the amino acid substitution p.Gln501Arg. To our knowledge, this variant has not been reported in the literature. This variant is reported in 0.067% of alleles in individuals of African descent in gnomAD. Although we suspect that this variant may be benign, at this time, the clinical significance of this variant is uncertain due to the absence of conclusive functional and genetic evidence.

Labcorp Genetics (formerly Invitae), Labcorp
Classification: Uncertain significance for Nephronophthisis 15. Last evaluated: 2024-10-24. Review status: criteria provided, single submitter. Criteria: Invitae Variant Classification Sherloc (09022015). Collection method: clinical testing. Allele origin: germline.
Comment: This sequence change replaces glutamine, which is neutral and polar, with arginine, which is basic and polar, at codon 501 of the CEP164 protein (p.Gln501Arg). This variant is present in population databases (rs375085754, gnomAD 0.07%). This variant has not been reported in the literature in individuals affected with CEP164-related conditions. ClinVar contains an entry for this variant (Variation ID: 966152). An algorithm developed to predict the effect of missense changes on protein structure and function (PolyPhen-2) suggests that this variant is likely to be disruptive. In summary, the available evidence is currently insufficient to determine the role of this variant in disease. Therefore, it has been classified as a Variant of Uncertain Significance.

Women's Health and Genetics/Laboratory Corporation of America, LabCorp
Classification: Uncertain significance. Last evaluated: 2024-06-11. Review status: criteria provided, single submitter. Criteria: LabCorp Variant Classification Summary - May 2015. Collection method: clinical testing. Allele origin: germline.
Comment: Variant summary: CEP164 c.1502A>G (p.Gln501Arg) results in a conservative amino acid change in the encoded protein sequence. Three of five in-silico tools predict a benign effect of the variant on protein function. The variant allele was found at a frequency of 3.3e-05 in 183610 control chromosomes. The available data on variant occurrences in the general population are insufficient to allow any conclusion about variant significance. To our knowledge, no occurrence of c.1502A>G in individuals affected with Nephronophthisis 15 and no experimental evidence demonstrating its impact on protein function have been reported. ClinVar contains an entry for this variant (Variation ID: 966152). Based on the evidence outlined above, the variant was classified as uncertain significance.

Fulgent Genetics
Classification: Uncertain significance for Nephronophthisis 15. Last evaluated: 2024-04-10. Review status: criteria provided, single submitter. Criteria: ACMG Guidelines, 2015. Collection method: clinical testing. Allele origin: germline.

Blueprint Genetics
Classification: Uncertain significance. Last evaluated: 2024-02-09. Review status: criteria provided, single submitter. Criteria: ACMG Guidelines, 2015. Collection method: clinical testing. Allele origin: germline.

Genetic Services Laboratory, University of Chicago
Classification: Uncertain significance. Last evaluated: 2023-02-15. Review status: criteria provided, single submitter. Criteria: ACMG Guidelines, 2015. Collection method: clinical testing. Allele origin: germline. Affected: no.
Comment: DNA sequence analysis of the CEP164 gene demonstrated a sequence change, c.1502A>G, in exon 13 that results in an amino acid change, p.Gln501Arg. This sequence change has been described in the gnomAD database with a frequency of 0.07% in the African/African American subpopulation (dbSNP rs375085754). The p.Gln501Arg change affects a moderately conserved amino acid residue located in a domain of the CEP164 protein that is not known to be functional. In-silico pathogenicity prediction tools (SIFT, PolyPhen2, Align GVGD, REVEL) provide contradictory results for the p.Gln501Arg substitution. This sequence change does not appear to have been previously described in individuals with CEP164-related disorders. Due to insufficient evidences and the lack of functional studies, the clinical significance of the p.Gln501Arg change remains unknown at this time.